The following is an entry in ClinVar:

ClinVar aggregate classification (germline): Benign/Likely benign. Review status: criteria provided, multiple submitters, no conflicts (2 of 4 stars). 3 submissions from 3 submitters: Benign (1); Likely benign (2). Last evaluated 2025-06-30.

Conditions:
Hereditary cancer-predisposing syndrome. Also called: Tumor predisposition; Hereditary neoplastic syndrome; Neoplastic Syndromes, Hereditary; Hereditary Cancer Syndrome. Identifiers: Orphanet 140162, MedGen C0027672, MeSH D009386, MONDO:0015356.
Colorectal cancer, susceptibility to, 12 (CRCS12). Also called: COLORECTAL CANCER, SUSCEPTIBILITY TO, ON CHROMOSOME 12q24. Identifiers: Orphanet 220460, MedGen C3554460, MONDO:0014038, OMIM 615083.

Submissions (3):

Labcorp Genetics (formerly Invitae), Labcorp
Classification: Likely benign. Last evaluated: 2025-06-30. Review status: criteria provided, single submitter. Criteria: Invitae Variant Classification Sherloc (09022015). Collection method: clinical testing. Allele origin: germline.

Myriad Genetics, Inc.
Classification: Benign for Colorectal cancer, susceptibility to, 12. Last evaluated: 2025-02-11. Review status: criteria provided, single submitter. Criteria: Myriad Autosomal Dominant, Autosomal Recessive and X-Linked Classification Criteria (2023). Collection method: clinical testing. Allele origin: unknown.
Comment: This variant is considered benign. This variant is a silent/synonymous amino acid change and it is not expected to impact splicing.

Ambry Genetics
Classification: Likely benign for Hereditary cancer-predisposing syndrome. Last evaluated: 2023-03-02. Review status: criteria provided, single submitter. Criteria: Ambry Variant Classification Scheme 2023. Collection method: clinical testing. Allele origin: germline.

NM_006231.4(POLE):c.1440_1441delinsCT (p.Ala480_Leu481=)

Gene: POLE (DNA polymerase epsilon, catalytic subunit; minus strand). Cytogenetic location: 12q24.33.
Variant type: Indel.
Coding change: c.1440_1441delinsCT on transcript NM_006231.4 (MANE Select); coding-DNA positions 1440 to 1441, TC replaced by CT.
Protein change: p.Ala480_Leu481=.
Molecular consequence: synonymous variant.
Genome position (GRCh38, 1-based): chr12:132,673,196-132,673,197, GA replaced by AG on the plus strand (TC replaced by CT on the coding strand, the reverse complement: POLE is on the minus strand). VCF-style: chr12-132673196-GA-AG. GRCh37 (hg19) VCF-style: chr12-133249782-GA-AG.
Identifiers: ClinVar variation 1944545 (VCV001944545.8), dbSNP rs2542140155, ClinGen allele CA2580086041.